The following is an entry in ClinVar:

ClinVar aggregate classification (germline): Uncertain significance. Review status: criteria provided, multiple submitters, no conflicts (2 of 4 stars). 5 submissions from 5 submitters: Uncertain significance (5). Last evaluated 2024-10-15.

Conditions:
Inborn genetic diseases. Identifiers: MedGen C0950123, MeSH D030342.
Osteogenesis imperfecta type 8 (OI8). Identifiers: MedGen C1970458, MONDO:0012581, OMIM 610915.

Allele frequency attached by ClinVar (database versions not stated): gnomAD 0.00001; TOPMed 0.00002; gnomAD exomes 0.00003; ExAC 0.00004.
gnomAD v4.1: 50 of 1,613,912 alleles (0.0031%); highest among the groups gnomAD compares: South Asian, 0.0088%; no homozygotes.

Submissions (5):

Labcorp Genetics (formerly Invitae), Labcorp
Classification: Uncertain significance for Osteogenesis imperfecta type 8. Last evaluated: 2024-10-15. Review status: criteria provided, single submitter. Criteria: Invitae Variant Classification Sherloc (09022015). Collection method: clinical testing. Allele origin: germline.
Comment: This sequence change replaces arginine, which is basic and polar, with glutamine, which is neutral and polar, at codon 368 of the P3H1 protein (p.Arg368Gln). This variant is present in population databases (rs751395741, gnomAD 0.01%). This variant has not been reported in the literature in individuals affected with P3H1-related conditions. ClinVar contains an entry for this variant (Variation ID: 1503338). Invitae Evidence Modeling of protein sequence and biophysical properties (such as structural, functional, and spatial information, amino acid conservation, physicochemical variation, residue mobility, and thermodynamic stability) indicates that this missense variant is not expected to disrupt P3H1 protein function with a negative predictive value of 80%. In summary, the available evidence is currently insufficient to determine the role of this variant in disease. Therefore, it has been classified as a Variant of Uncertain Significance.

GeneDx
Classification: Uncertain significance. Last evaluated: 2024-05-17. Review status: criteria provided, single submitter. Criteria: GeneDx Variant Classification Process June 2021. Collection method: clinical testing. Allele origin: germline. Affected: yes.
Comment: In silico analysis supports that this missense variant has a deleterious effect on protein structure/function; Has not been previously published as pathogenic or benign to our knowledge

Genome-Nilou Lab
Classification: Uncertain significance for Osteogenesis imperfecta type 8. Last evaluated: 2023-04-11. Review status: criteria provided, single submitter. Criteria: ACMG Guidelines, 2015. Collection method: clinical testing. Allele origin: germline. Affected: no.

Blueprint Genetics
Classification: Uncertain significance. Last evaluated: 2023-03-30. Review status: criteria provided, single submitter. Criteria: ACMG Guidelines, 2015. Collection method: clinical testing. Allele origin: germline.

Ambry Genetics
Classification: Uncertain significance for Inborn genetic diseases. Last evaluated: 2021-09-01. Review status: criteria provided, single submitter. Criteria: Ambry Variant Classification Scheme 2023. Collection method: clinical testing. Allele origin: germline.

NM_022356.4(P3H1):c.1103G>A (p.Arg368Gln)

Gene: P3H1 (prolyl 3-hydroxylase 1; minus strand). Cytogenetic location: 1p34.2.
Variant type: single nucleotide variant.
Coding change: c.1103G>A on transcript NM_022356.4 (MANE Select); coding-DNA position 1103, G replaced by A.
Protein change: p.Arg368Gln; replaces arginine 368 with glutamine.
Molecular consequence: missense variant.
Genome position (GRCh38, 1-based): chr1:42,755,615, C>T on the plus strand (G>A on the coding strand, the complement: P3H1 is on the minus strand). VCF-style: chr1-42755615-C-T. GRCh37 (hg19) VCF-style: chr1-43221286-C-T.
Other names: c.1103G>A, p.Arg368Gln (NM_001146289.2, NM_001243246.2); c.1103G>A (NM_022356.3); short protein forms R368Q.
Identifiers: ClinVar variation 1503338 (VCV001503338.10), dbSNP rs751395741, ClinGen allele CA801965.